The following is an entry in ClinVar:

ClinVar aggregate classification (germline): Uncertain significance (1 of 4 stars; one submission).

Conditions:
Pheochromocytoma. Also called: MAX-Related Hereditary Paraganglioma-Pheochromocytoma Syndrome. Identifiers: Orphanet 29072, MedGen C0031511, MONDO:0008233, OMIM 171300, HP:0002666.
Gastrointestinal stromal tumor. Also called: Gastrointestinal stroma tumor; Gastrointestinal stromal tumor, somatic. Identifiers: Orphanet 44890, MedGen C0238198, MeSH D046152, MONDO:0011719, OMIM 606764, HP:0100723.
Pheochromocytoma/paraganglioma syndrome 4. Also called: CAROTID BODY TUMORS AND MULTIPLE EXTRAADRENAL PHEOCHROMOCYTOMAS; PARAGANGLIOMA, FAMILIAL MALIGNANT; PARAGANGLIOMAS, HEREDITARY EXTRAADRENAL; PHEOCHROMOCYTOMA, FAMILIAL EXTRAADRENAL; Paragangliomas 4; SDHB-Related Hereditary Paraganglioma-Pheochromocytoma Syndrome (Paragangliomas 4). Identifiers: Orphanet 29072, MedGen C1861848, MONDO:0007273, OMIM 115310.

Submission:

Labcorp Genetics (formerly Invitae), Labcorp
Classification: Uncertain significance for Gastrointestinal stromal tumor; Pheochromocytoma/paraganglioma syndrome 4; Pheochromocytoma. Last evaluated: 2025-11-19. Review status: criteria provided, single submitter. Criteria: Invitae Variant Classification Sherloc (09022015). Collection method: clinical testing. Allele origin: germline.
Comment: This sequence change replaces glycine, which is neutral and non-polar, with glutamic acid, which is acidic and polar, at codon 20 of the SDHB protein (p.Gly20Glu). This variant is not present in population databases (gnomAD no frequency). This variant has not been reported in the literature in individuals affected with SDHB-related conditions. Invitae Evidence Modeling of protein sequence and biophysical properties (such as structural, functional, and spatial information, amino acid conservation, physicochemical variation, residue mobility, and thermodynamic stability) indicates that this missense variant is not expected to disrupt SDHB protein function with a negative predictive value of 95%. In summary, the available evidence is currently insufficient to determine the role of this variant in disease. Therefore, it has been classified as a Variant of Uncertain Significance.

NM_003000.3(SDHB):c.59G>A (p.Gly20Glu)

Genes: SDHB (succinate dehydrogenase complex iron sulfur subunit B; minus strand), LOC129929542 (ATAC-STARR-seq lymphoblastoid active region 277; plus strand). Cytogenetic location: 1p36.13.
Variant type: single nucleotide variant.
Coding change: c.59G>A on transcript NM_003000.3 (MANE Select); coding-DNA position 59, G replaced by A.
Protein change: p.Gly20Glu; replaces glycine 20 with glutamic acid.
Molecular consequence: missense variant.
Genome position (GRCh38, 1-based): chr1:17,053,961, C>T on the plus strand (G>A on the coding strand, the complement: SDHB is on the minus strand). VCF-style: chr1-17053961-C-T. GRCh37 (hg19) VCF-style: chr1-17380456-C-T.
Other names: c.59G>A, p.Gly20Glu (NM_001407361.1); short protein forms G20E.
Identifiers: ClinVar variation 4788101 (VCV004788101.1).